The following is an entry in ClinVar:

NM_001034853.2(RPGR):c.691A>C (p.Asn231His)

Gene: RPGR (retinitis pigmentosa GTPase regulator; minus strand). Cytogenetic location: Xp11.4.
Variant type: single nucleotide variant.
Coding change: c.691A>C on transcript NM_001034853.2 (MANE Select); coding-DNA position 691, A replaced by C.
Protein change: p.Asn231His; replaces asparagine 231 with histidine.
Molecular consequence: missense variant. On other transcripts: non-coding transcript variant (6).
Genome position (GRCh38, 1-based): chrX:38,310,702, T>G on the plus strand (A>C on the coding strand, the complement: RPGR is on the minus strand). VCF-style: chrX-38310702-T-G. GRCh37 (hg19) VCF-style: chrX-38169955-T-G.
Other names: c.691A>C, p.Asn231His (NM_000328.3, NM_001367246.1, NM_001367247.1 and 1 more transcripts); c.688A>C, p.Asn230His (NM_001367245.1, NM_001367249.1, NM_001367250.1); c.721A>C, p.Asn241His (NM_001367248.1); short protein forms N231H, N230H, N241H.
Identifiers: ClinVar variation 3719722 (VCV003719722.2).

ClinVar aggregate classification (germline): Uncertain significance (1 of 4 stars; one submission).

Conditions:
Primary ciliary dyskinesia. Also called: Ciliary dyskinesia. Identifiers: Orphanet 244, MedGen C0008780, MONDO:0016575, HP:0012265.

Submission:

Labcorp Genetics (formerly Invitae), Labcorp
Classification: Uncertain significance for Primary ciliary dyskinesia. Last evaluated: 2024-12-22. Review status: criteria provided, single submitter. Criteria: Invitae Variant Classification Sherloc (09022015). Collection method: clinical testing. Allele origin: germline.
Comment: This sequence change replaces asparagine, which is neutral and polar, with histidine, which is basic and polar, at codon 231 of the RPGR protein (p.Asn231His). This variant is not present in population databases (gnomAD no frequency). This variant has not been reported in the literature in individuals affected with RPGR-related conditions. Invitae Evidence Modeling of protein sequence and biophysical properties (such as structural, functional, and spatial information, amino acid conservation, physicochemical variation, residue mobility, and thermodynamic stability) has been performed for this missense variant. However, the output from this modeling did not meet the statistical confidence thresholds required to predict the impact of this variant on RPGR protein function. In summary, the available evidence is currently insufficient to determine the role of this variant in disease. Therefore, it has been classified as a Variant of Uncertain Significance.